The following is an entry in ClinVar:

NM_001130698.2(TRPC3):c.2377A>T (p.Ile793Phe)

Gene: TRPC3 (transient receptor potential cation channel subfamily C member 3; minus strand). Cytogenetic location: 4q27.
Variant type: single nucleotide variant.
Coding change: c.2377A>T on transcript NM_001130698.2 (MANE Select); coding-DNA position 2377, A replaced by T.
Protein change: p.Ile793Phe; replaces isoleucine 793 with phenylalanine.
Molecular consequence: missense variant.
Genome position (GRCh38, 1-based): chr4:121,902,938, T>A on the plus strand (A>T on the coding strand, the complement: TRPC3 is on the minus strand). VCF-style: chr4-121902938-T-A. GRCh37 (hg19) VCF-style: chr4-122824093-T-A.
Other names: c.2377A>T, p.Ile793Phe (NM_001366479.2); c.2158A>T, p.Ile720Phe (NM_003305.2); short protein forms I720F, I793F.
Identifiers: ClinVar variation 2886512 (VCV002886512.3), dbSNP rs145430158, ClinGen allele CA3064761.
Genomic context (GRCh38, chr4:121,902,938, plus strand): 5'-TTTCTATATCCTTCTGAAGCCTTCTCCTTCTGCATTTGGGAAAGTTAACAATTCGCATGA[T>A]GAAATAAACAAATGATTTTGGACTAGGAACTAGACTGAAAGGTGGAGGTAATGTTTTTCC-3'
Protein context (NP_001124170.1, residues 783-803): VPSPKSFVYF[Ile793Phe]MRIVNFPKCR

ClinVar aggregate classification (germline): Uncertain significance (1 of 4 stars; one submission).

Allele frequency attached by ClinVar (database versions not stated): TOPMed 0.00003; gnomAD 0.00005; ESP Exome Variant Server 0.00008; ExAC 0.00011.
gnomAD v4.1: 148 of 1,613,544 alleles (0.0092%); highest among the groups gnomAD compares: South Asian, 0.093%; no homozygotes.

Submission:

Labcorp Genetics (formerly Invitae), Labcorp
Classification: Uncertain significance. Last evaluated: 2024-10-29. Review status: criteria provided, single submitter. Criteria: Invitae Variant Classification Sherloc (09022015). Collection method: clinical testing. Allele origin: germline.
Comment: This sequence change replaces isoleucine, which is neutral and non-polar, with phenylalanine, which is neutral and non-polar, at codon 793 of the TRPC3 protein (p.Ile793Phe). This variant is present in population databases (rs145430158, gnomAD 0.05%). This variant has not been reported in the literature in individuals affected with TRPC3-related conditions. ClinVar contains an entry for this variant (Variation ID: 2886512). Invitae Evidence Modeling of protein sequence and biophysical properties (such as structural, functional, and spatial information, amino acid conservation, physicochemical variation, residue mobility, and thermodynamic stability) indicates that this missense variant is not expected to disrupt TRPC3 protein function with a negative predictive value of 80%. In summary, the available evidence is currently insufficient to determine the role of this variant in disease. Therefore, it has been classified as a Variant of Uncertain Significance.